The following is an entry in ClinVar:

NM_001369369.1(FOXN1):c.729_737del (p.Ile243_Leu246delinsMet)

Gene: FOXN1 (forkhead box N1; plus strand). Cytogenetic location: 17q11.2.
Variant type: Deletion.
Coding change: c.729_737del on transcript NM_001369369.1 (MANE Select); coding-DNA positions 729 to 737, 9 bases deleted (ACCCTACCT; older notation c.729_737delACCCTACCT).
Protein change: p.Ile243_Leu246delinsMet.
Molecular consequence: inframe indel.
Genome position (GRCh38, 1-based): chr17:28,529,123-28,529,131, ACCCTACCT deleted; deleting any 9 consecutive bases within chr17:28,529,122-28,529,131 gives the same sequence; the c. name uses the placement nearest the transcript's 3' end. VCF-style (leftmost placement, unchanged base first): chr17-28529121-ATACCCTACC-A. GRCh37 (hg19) VCF-style: chr17-26856139-ATACCCTACC-A.
Other names: c.729_737del, p.Ile243_Leu246delinsMet (NM_003593.3).
Identifiers: ClinVar variation 1055984 (VCV001055984.4), dbSNP rs771878321, ClinGen allele CA8459330.

ClinVar aggregate classification (germline): Uncertain significance (1 of 4 stars; one submission).

Conditions:
T-cell immunodeficiency, congenital alopecia, and nail dystrophy. Also called: Congenital alopecia and nail dystrophy associated with severe functional T-cell immunodeficiency; Pignata Guarino syndrome. Identifiers: Orphanet 169095, MedGen C1866426, MONDO:0011132, OMIM 601705.

Submission:

Labcorp Genetics (formerly Invitae), Labcorp
Classification: Uncertain significance for T-cell immunodeficiency, congenital alopecia, and nail dystrophy. Last evaluated: 2025-03-18. Review status: criteria provided, single submitter. Criteria: Invitae Variant Classification Sherloc (09022015). Collection method: clinical testing. Allele origin: germline.
Comment: This variant, c.729_737del, is a complex sequence change that results in the deletion of 4 and insertion of 1 amino acid(s) in the FOXN1 protein (p.Ile243_Leu246delinsMet). This variant is not present in population databases (gnomAD no frequency). This variant has not been reported in the literature in individuals affected with FOXN1-related conditions. ClinVar contains an entry for this variant (Variation ID: 1055984). Experimental studies and prediction algorithms are not available or were not evaluated, and the functional significance of this variant is currently unknown. In summary, the available evidence is currently insufficient to determine the role of this variant in disease. Therefore, it has been classified as a Variant of Uncertain Significance.